The following is an entry in ClinVar:

ClinVar aggregate classification (germline): Uncertain significance (1 of 4 stars; one submission).

Conditions:
Cardiovascular phenotype. Identifiers: MedGen CN230736.

Allele frequency attached by ClinVar (database versions not stated): gnomAD exomes below 0.00001; TOPMed below 0.00001; gnomAD 0.00001.
gnomAD v4.1: 7 of 1,611,984 alleles (0.00043%); highest among the groups gnomAD compares: East Asian, 0.0022%; no homozygotes.

Submission:

Ambry Genetics
Classification: Uncertain significance for Cardiovascular phenotype. Last evaluated: 2023-07-27. Review status: criteria provided, single submitter. Criteria: Ambry Variant Classification Scheme 2023. Collection method: clinical testing. Allele origin: germline.
Comment: The p.R99C variant (also known as c.295C>T) is located in coding exon 4 of the CACNA2D1 gene. The arginine at codon 99 is replaced by cysteine, an amino acid with highly dissimilar properties. This change occurs in the first base pair of coding exon 4. This amino acid position is conserved. In addition, the in silico prediction for this alteration is inconclusive. Since supporting evidence is limited at this time, the clinical significance of this alteration remains unclear.

NM_000722.4(CACNA2D1):c.295C>T (p.Arg99Cys)

Gene: CACNA2D1 (calcium voltage-gated channel auxiliary subunit alpha2delta 1; minus strand). Cytogenetic location: 7q21.11.
Variant type: single nucleotide variant.
Coding change: c.295C>T on transcript NM_000722.4 (MANE Select); coding-DNA position 295, C replaced by T.
Protein change: p.Arg99Cys; replaces arginine 99 with cysteine.
Molecular consequence: missense variant.
Genome position (GRCh38, 1-based): chr7:82,170,609, G>A on the plus strand (C>T on the coding strand, the complement: CACNA2D1 is on the minus strand). VCF-style: chr7-82170609-G-A. GRCh37 (hg19) VCF-style: chr7-81799925-G-A.
Other names: c.295C>T, p.Arg99Cys (NM_001302890.2, NM_001366867.1); short protein forms R99C.
Identifiers: ClinVar variation 2591989 (VCV002591989.2), dbSNP rs1340629145, ClinGen allele CA368017511.